The following is an entry in ClinVar:

NM_003384.3(VRK1):c.656G>T (p.Arg219Ile)

Gene: VRK1 (VRK serine/threonine kinase 1; plus strand). Cytogenetic location: 14q32.2.
Variant type: single nucleotide variant.
Coding change: c.656G>T on transcript NM_003384.3 (MANE Select); coding-DNA position 656, G replaced by T.
Protein change: p.Arg219Ile; replaces arginine 219 with isoleucine.
Molecular consequence: missense variant.
Genome position (GRCh38, 1-based): chr14:96,855,303, G>T. VCF-style: chr14-96855303-G-T. GRCh37 (hg19) VCF-style: chr14-97321640-G-T.
Other names: short protein forms R219I.
Identifiers: ClinVar variation 619020 (VCV000619020.7), dbSNP rs1595676517, ClinGen allele CA390931182.

ClinVar aggregate classification (germline): Conflicting classifications of pathogenicity. Review status: no assertion criteria provided (0 of 4 stars). 3 submissions from 3 submitters: Pathogenic (2); Uncertain significance (1). Last evaluated 2023-10-24.

Conditions:
Distal hereditary motor neuropathy associated with upper motor neuron signs.
Distal spinal muscular atrophy. Also called: Distal hereditary motor neuropathy; Distal hereditary motor neuronopathy. Identifiers: Orphanet 53739, MedGen C0393541, MONDO:0018894.
Neuronopathy, distal hereditary motor, autosomal recessive 10 (HMNR10). Also called: NEUROPATHY, DISTAL HEREDITARY MOTOR, AUTOSOMAL RECESSIVE 10; VRK1-RELATED MOTOR NEURON DISEASE. Identifiers: MedGen C5882703, MONDO:0957876, OMIM 620542.

Submissions (3):

OMIM
Classification: Pathogenic for NEURONOPATHY, DISTAL HEREDITARY MOTOR, AUTOSOMAL RECESSIVE 10. Last evaluated: 2023-10-24. Review status: no assertion criteria provided. Collection method: literature only. Allele origin: germline.

Inherited Neuropathy Consortium
Classification: Uncertain significance for Distal spinal muscular atrophy. Review status: no assertion criteria provided. Collection method: research. Allele origin: inherited. Affected: yes.

Marseille Medical Genetics, U1251, Aix Marseille University, Inserm
Classification: Pathogenic for Distal hereditary motor neuropathy associated with upper motor neuron signs. Review status: no assertion criteria provided. Collection method: research, in vitro. Allele origin: inherited, not applicable. Inheritance: Autosomal recessive inheritance. Affected: yes. Observed: 2 variant alleles, 2 compound heterozygotes. Clinical features observed: Motor axonal neuropathy (HP:0007002), Upper motor neuron dysfunction (HP:0002493). Functional consequence: probably has functional consequence.
Comment: The c.656G>T(p.Arg219Ile) has been identified at the compound heterozygous state with c.761G>T(p.Trp254Leu) missense mutations, in two siblings from a Lebanese family. Both variations are absent in the gnomAD database and in a local Lebanese exome database containing data from 118 exomes. They were segregating as expected in the family. Additionally functional studies performed in patient's fibroblasts, lymphoblasts and iPSC-derived motor neurons show that the mutations lead to severely reduced levels of VRK1 by impairing its stability, and to a shift of nuclear VRK1 to cytoplasm. Depletion of VRK1 from the nucleus alters the dynamics of Coilin, a phosphorylation target of VRK1, by reducing its stability, through increased proteasomal degradation. In human induced pluripotent stem cell-derived motor neurons from patients, we demonstrate that this drop in VRK1 levels leads to Cajal Bodies disassembly and defects in neurite outgrowth and branching. The mutations have no effect on the transcript levels. The effect of each mutation individually on protein stability has not been evaluated, but when the mutations are in combination they have pathogenic effect, thereby we can extrapolate that both mutations meet our criteria to be classified as pathogenic.

Literature cited by the submitters: PubMed 31090908 (cited by OMIM).